The following is an entry in ClinVar:

NM_000138.5(FBN1):c.6508T>C (p.Cys2170Arg)

Gene: FBN1 (fibrillin 1; minus strand). Cytogenetic location: 15q21.1.
Variant type: single nucleotide variant.
Coding change: c.6508T>C on transcript NM_000138.5 (MANE Select); coding-DNA position 6508, T replaced by C.
Protein change: p.Cys2170Arg; replaces cysteine 2170 with arginine.
Molecular consequence: missense variant.
Genome position (GRCh38, 1-based): chr15:48,434,702, A>G on the plus strand (T>C on the coding strand, the complement: FBN1 is on the minus strand). VCF-style: chr15-48434702-A-G. GRCh37 (hg19) VCF-style: chr15-48726899-A-G.
Other names: short protein forms C2170R.
Identifiers: ClinVar variation 636895 (VCV000636895.4), dbSNP rs1597523873, ClinGen allele CA392335286.

ClinVar aggregate classification (germline): Pathogenic/Likely pathogenic. Review status: criteria provided, multiple submitters, no conflicts (2 of 4 stars). 2 submissions from 2 submitters: Pathogenic (1); Likely pathogenic (1). Last evaluated 2024-08-01.

Conditions:
Familial thoracic aortic aneurysm and aortic dissection (TAAD). Also called: Thoracic aortic aneurysms and dissections. Identifiers: Orphanet 91387, MedGen C4707243, MONDO:0019625.
Marfan syndrome (MFS). Also called: FBN1-Related Marfan Syndrome; Marfan syndrome type 1; Marfan's syndrome; Marfan syndrome, classic; MARFAN SYNDROME, TYPE I. Identifiers: Orphanet 284963, Orphanet 558, MedGen C0024796, MONDO:0007947, OMIM 154700.

Submissions (2):

Labcorp Genetics (formerly Invitae), Labcorp
Classification: Pathogenic for Marfan syndrome; Familial thoracic aortic aneurysm and aortic dissection. Last evaluated: 2024-08-01. Review status: criteria provided, single submitter. Criteria: Invitae Variant Classification Sherloc (09022015). Collection method: clinical testing. Allele origin: germline.
Comment: This sequence change replaces cysteine, which is neutral and slightly polar, with arginine, which is basic and polar, at codon 2170 of the FBN1 protein (p.Cys2170Arg). This variant is not present in population databases (gnomAD no frequency). This missense change has been observed in individuals with Marfan syndrome (PMID: 27906200; Invitae). ClinVar contains an entry for this variant (Variation ID: 636895). Advanced modeling of protein sequence and biophysical properties (such as structural, functional, and spatial information, amino acid conservation, physicochemical variation, residue mobility, and thermodynamic stability) performed at Invitae indicates that this missense variant is expected to disrupt FBN1 protein function with a positive predictive value of 95%. This variant affects a cysteine residue in the EGF-like, TGFBP or hybrid motif domains of FBN1. Cysteine residues are believed to be involved in intramolecular disulfide bridges and have been shown to be important for FBN1 protein structure (PMID: 16905551, 19349279). In addition, missense substitutions affecting cysteine residues within these domains are significantly overrepresented among patients with Marfan syndrome (PMID: 16571647, 17701892). This variant disrupts the p.Cys2170 amino acid residue in FBN1. Other variant(s) that disrupt this residue have been observed in individuals with FBN1-related conditions (PMID: 17253931, 27906200; Invitae), which suggests that this may be a clinically significant amino acid residue. For these reasons, this variant has been classified as Pathogenic.

Mendelics
Classification: Likely pathogenic for Marfan syndrome. Last evaluated: 2019-05-28. Review status: criteria provided, single submitter. Criteria: Mendelics Assertion Criteria 2017. Collection method: clinical testing. Allele origin: unknown.

Literature cited by the submitters: PubMed 27906200 (cited by Labcorp Genetics (formerly Invitae), Labcorp); PubMed 16905551 (cited by Labcorp Genetics (formerly Invitae), Labcorp); PubMed 19349279 (cited by Labcorp Genetics (formerly Invitae), Labcorp); PubMed 16571647 (cited by Labcorp Genetics (formerly Invitae), Labcorp); PubMed 17701892 (cited by Labcorp Genetics (formerly Invitae), Labcorp); PubMed 17253931 (cited by Labcorp Genetics (formerly Invitae), Labcorp).